The following is an entry in ClinVar:

ClinVar aggregate classification (germline): Uncertain significance (1 of 4 stars; one submission).

Conditions:
Bardet-Biedl syndrome (BBS). Identifiers: Orphanet 110, MedGen C0752166, MONDO:0015229.

Submission:

Labcorp Genetics (formerly Invitae), Labcorp
Classification: Uncertain significance for Bardet-Biedl syndrome. Last evaluated: 2025-01-12. Review status: criteria provided, single submitter. Criteria: Invitae Variant Classification Sherloc (09022015). Collection method: clinical testing. Allele origin: germline.
Comment: This sequence change replaces threonine, which is neutral and polar, with proline, which is neutral and non-polar, at codon 430 of the TRIM32 protein (p.Thr430Pro). This variant is not present in population databases (gnomAD no frequency). This variant has not been reported in the literature in individuals affected with TRIM32-related conditions. An algorithm developed to predict the effect of missense changes on protein structure and function (PolyPhen-2) suggests that this variant is likely to be disruptive. In summary, the available evidence is currently insufficient to determine the role of this variant in disease. Therefore, it has been classified as a Variant of Uncertain Significance.

NM_012210.4(TRIM32):c.1288A>C (p.Thr430Pro)

Genes: ASTN2 (astrotactin 2; minus strand), TRIM32 (tripartite motif containing 32; plus strand). Cytogenetic location: 9q33.1.
Variant type: single nucleotide variant.
Coding change: c.1288A>C on transcript NM_012210.4 (MANE Select); coding-DNA position 1288, A replaced by C.
Protein change: p.Thr430Pro; replaces threonine 430 with proline.
Molecular consequence: missense variant. On other transcripts: intron variant (3).
Genome position (GRCh38, 1-based): chr9:116,699,030, A>C. VCF-style: chr9-116699030-A-C. GRCh37 (hg19) VCF-style: chr9-119461309-A-C.
Other names: c.1288A>C, p.Thr430Pro (NM_001099679.2, NM_001379048.1, NM_001379049.1 and 1 more transcripts); c.2653+26741T>G (NM_014010.5); c.2794+26741T>G (NM_001365069.1); c.2806+26741T>G (NM_001365068.1); short protein forms T430P.
Identifiers: ClinVar variation 3728865 (VCV003728865.2).
Genomic context (GRCh38, chr9:116,699,030, plus strand): 5'-AGCCCCAGTGGCATTGATAGCTTTGTGCTAAGCTTCCTTGGGGCAGATCTACCCAACCTC[A>C]CTCCTCTCTCAGTGGCAATGAACTGCCAGGGGCTGATTGGTGTGACTGACAGCTATGATA-3'
Protein context (NP_036342.2, residues 420-440): SFLGADLPNL[Thr430Pro]PLSVAMNCQG